The following is an entry in ClinVar:

ClinVar aggregate classification (germline): Uncertain significance (1 of 4 stars; one submission).

gnomAD v4.1: 1 of 1,613,376 alleles (0.000062%); highest among the groups gnomAD compares: African/African-American, 0.0013%; no homozygotes.

Submission:

Women's Health and Genetics/Laboratory Corporation of America, LabCorp
Classification: Uncertain significance. Last evaluated: 2025-10-15. Review status: criteria provided, single submitter. Criteria: LabCorp Variant Classification Summary - May 2015. Collection method: clinical testing. Allele origin: germline.
Comment: Variant summary: RAI1 c.2881G>A (p.Ala961Thr) results in a non-conservative amino acid change in the encoded protein sequence. Algorithms developed to predict the effect of missense changes on protein structure and function are either unavailable or do not agree on the potential impact of this missense change. The variant was absent in 250734 control chromosomes. The available data on variant occurrences in the general population are insufficient to allow any conclusion about variant significance. To our knowledge, no occurrence of c.2881G>A in individuals affected with RAI1-related conditions and no experimental evidence demonstrating its impact on protein function have been reported. No submitters have cited clinical-significance assessments for this variant to ClinVar. Based on the evidence outlined above, the variant was classified as uncertain significance.

NM_030665.4(RAI1):c.2881G>A (p.Ala961Thr)

Gene: RAI1 (retinoic acid induced 1; plus strand). Cytogenetic location: 17p11.2.
Variant type: single nucleotide variant.
Coding change: c.2881G>A on transcript NM_030665.4 (MANE Select); coding-DNA position 2881, G replaced by A.
Protein change: p.Ala961Thr; replaces alanine 961 with threonine.
Molecular consequence: missense variant.
Genome position (GRCh38, 1-based): chr17:17,795,829, G>A. VCF-style: chr17-17795829-G-A. GRCh37 (hg19) VCF-style: chr17-17699143-G-A.
Other names: short protein forms A961T.
Identifiers: ClinVar variation 4687276 (VCV004687276.1).